The following is an entry in ClinVar:

ClinVar aggregate classification (germline): Conflicting classifications of pathogenicity. Review status: criteria provided, conflicting classifications (1 of 4 stars). 3 submissions from 3 submitters: Uncertain significance (2); Likely benign (1). Last evaluated 2026-01-22.

Conditions:
Intellectual developmental disorder, autosomal dominant 56. Also called: MENTAL RETARDATION, AUTOSOMAL DOMINANT 56; Intellectual disability, autosomal dominant 56. Identifiers: MedGen C4693389, MONDO:0030922, OMIM 617854.

Allele frequency attached by ClinVar (database versions not stated): gnomAD exomes 0.00001; gnomAD 0.00002; ExAC 0.00003; TOPMed 0.00004; ESP Exome Variant Server 0.00008.

Submissions (3):

Labcorp Genetics (formerly Invitae), Labcorp
Classification: Uncertain significance. Last evaluated: 2026-01-22. Review status: criteria provided, single submitter. Criteria: Invitae Variant Classification Sherloc (09022015). Collection method: clinical testing. Allele origin: germline.
Comment: This sequence change falls in intron 20 of the CLTC gene. It does not directly change the encoded amino acid sequence of the CLTC protein. It affects a nucleotide within the consensus splice site. This variant is present in population databases (rs772737358, gnomAD 0.004%). This variant has been observed in individual(s) with clinical features of CLTC-related conditions (PMID: 33004838; internal data). This variant is also known as c.3252+1_3252+2dup. ClinVar contains an entry for this variant (Variation ID: 2896355). Variants that disrupt the consensus splice site are a relatively common cause of aberrant splicing (PMID: 17576681, 9536098). Algorithms developed to predict the effect of sequence changes on RNA splicing suggest that this variant may disrupt the consensus splice site. In summary, the available evidence is currently insufficient to determine the role of this variant in disease. Therefore, it has been classified as a Variant of Uncertain Significance.

Dasa
Classification: Uncertain significance for Intellectual developmental disorder, autosomal dominant 56. Last evaluated: 2025-10-02. Review status: criteria provided, single submitter. Criteria: DASA Assertion Criteria. Collection method: clinical testing. Allele origin: germline.
Comment: NM_004859.4(CLTC):c.3249+1_3249+2dup is a splice-region variant predicted to affect normal RNA splicing. This variant is rare in population databases. The currently available literature and clinical evidence are not sufficient to establish a definitive association between this variant and the reported condition. Therefore, this variant is classified as a variant of uncertain significance.

Blueprint Genetics
Classification: Likely benign. Last evaluated: 2023-08-08. Review status: criteria provided, single submitter. Criteria: ACMG Guidelines, 2015. Collection method: clinical testing. Allele origin: germline.

Literature cited by the submitters: PubMed 33004838 (cited by Labcorp Genetics (formerly Invitae), Labcorp); PubMed 17576681 (cited by Labcorp Genetics (formerly Invitae), Labcorp); PubMed 9536098 (cited by Labcorp Genetics (formerly Invitae), Labcorp).

NM_004859.4(CLTC):c.3249+1_3249+2dup

Gene: CLTC (clathrin heavy chain; plus strand). Cytogenetic location: 17q23.1.
Variant type: Duplication.
Coding change: c.3249+1_3249+2dup on transcript NM_004859.4 (MANE Select); the canonical splice donor site of the intron after coding-DNA position 3249, 2 bases duplicated (GT; older notation c.3249+1_3249+2dupGT).
Molecular consequence: splice donor variant.
Genome position (GRCh38, 1-based): chr17:59,681,479-59,681,480, GT duplicated. VCF-style (leftmost placement, unchanged base first): chr17-59681478-G-GGT. GRCh37 (hg19) VCF-style: chr17-57758839-G-GGT.
Other names: c.3261+1_3261+2dup (NM_001288653.2).
Identifiers: ClinVar variation 2896355 (VCV002896355.6), dbSNP rs772737358, ClinGen allele CA8681549.